The following is an entry in ClinVar:

ClinVar aggregate classification (germline): Pathogenic (1 of 4 stars; one submission).

Allele frequency attached by ClinVar (database versions not stated): gnomAD exomes below 0.00001.

Submission:

Labcorp Genetics (formerly Invitae), Labcorp
Classification: Pathogenic. Last evaluated: 2024-03-16. Review status: criteria provided, single submitter. Criteria: Invitae Variant Classification Sherloc (09022015). Collection method: clinical testing. Allele origin: germline.
Comment: This sequence change creates a premature translational stop signal (p.Leu111Valfs*80) in the AVPR2 gene. It is expected to result in an absent or disrupted protein product. Loss-of-function variants in AVPR2 are known to be pathogenic (PMID: 8037205, 10820168). This variant is present in population databases (no rsID available, gnomAD 0.004%). This premature translational stop signal has been observed in individual(s) with nephrogenic diabetes insipidus (PMID: 8037205, 29594432, 34101133). This variant is also known as 402delCT. For these reasons, this variant has been classified as Pathogenic.

Literature cited by the submitters: PubMed 8037205; PubMed 10820168; PubMed 29594432; PubMed 34101133.

NM_000054.7(AVPR2):c.331_332del (p.Leu111fs)

Gene: AVPR2 (arginine vasopressin receptor 2; plus strand). Cytogenetic location: Xq28.
Variant type: Deletion.
Coding change: c.331_332del on transcript NM_000054.7 (MANE Select); coding-DNA positions 331 to 332, 2 bases deleted (CT; older notation c.331_332delCT).
Protein change: p.Leu111fs; shifts the reading frame from leucine 111.
Molecular consequence: frameshift variant.
Genome position (GRCh38, 1-based): chrX:153,905,837-153,905,838, CT deleted. VCF-style (leftmost placement, unchanged base first): chrX-153905836-CCT-C. GRCh37 (hg19) VCF-style: chrX-153171290-CCT-C.
Other names: c.331_332del, p.Leu111fs (NM_001146151.3); short protein forms L111fs.
Identifiers: ClinVar variation 2737426 (VCV002737426.3), dbSNP rs1557100572, ClinGen allele CA645289097.